The following is an entry in ClinVar:

NM_001101.5(ACTB):c.1109T>G (p.Val370Gly)

Gene: ACTB (actin beta; minus strand). Cytogenetic location: 7p22.1.
Variant type: single nucleotide variant.
Coding change: c.1109T>G on transcript NM_001101.5 (MANE Select); coding-DNA position 1109, T replaced by G.
Protein change: p.Val370Gly; replaces valine 370 with glycine.
Molecular consequence: missense variant.
Genome position (GRCh38, 1-based): chr7:5,527,767, A>C on the plus strand (T>G on the coding strand, the complement: ACTB is on the minus strand). VCF-style: chr7-5527767-A-C. GRCh37 (hg19) VCF-style: chr7-5567398-A-C.
Other names: short protein forms V370G.
Identifiers: ClinVar variation 2842305 (VCV002842305.3), dbSNP rs2533845750, ClinGen allele CA366698930.

ClinVar aggregate classification (germline): Uncertain significance (1 of 4 stars; one submission).

Conditions:
Baraitser-Winter syndrome 1 (BRWS1). Also called: BARAITSER-WINTER SYNDROME 1, ATYPICAL; PACHYGYRIA, MENTAL RETARDATION, EPILEPSY, AND CHARACTERISTIC FACIES; MENTAL RETARDATION WITH EPILEPSY AND CHARACTERISTIC FACIES; Cerebrofrontofacial syndrome. Identifiers: Orphanet 2649, Orphanet 2995, MedGen C1855722, MONDO:0009470, OMIM 243310.

Submission:

Labcorp Genetics (formerly Invitae), Labcorp
Classification: Uncertain significance for Baraitser-Winter syndrome 1. Last evaluated: 2023-03-02. Review status: criteria provided, single submitter. Criteria: Invitae Variant Classification Sherloc (09022015). Collection method: clinical testing. Allele origin: germline.
Comment: This variant has not been reported in the literature in individuals affected with ACTB-related conditions. This variant is not present in population databases (gnomAD no frequency). This sequence change replaces valine, which is neutral and non-polar, with glycine, which is neutral and non-polar, at codon 370 of the ACTB protein (p.Val370Gly). Advanced modeling of protein sequence and biophysical properties (such as structural, functional, and spatial information, amino acid conservation, physicochemical variation, residue mobility, and thermodynamic stability) performed at Invitae indicates that this missense variant is expected to disrupt ACTB protein function. In summary, the available evidence is currently insufficient to determine the role of this variant in disease. Therefore, it has been classified as a Variant of Uncertain Significance.